The following is an entry in ClinVar:

ClinVar aggregate classification (germline): Uncertain significance. Review status: criteria provided, multiple submitters, no conflicts (2 of 4 stars). 2 submissions from 2 submitters: Uncertain significance (2). Last evaluated 2025-10-03.

Conditions:
Dyskeratosis congenita, autosomal dominant 2. Identifiers: MedGen C3151443, MONDO:0013521, OMIM 613989.
Idiopathic Pulmonary Fibrosis. Also called: Idiopathic fibrosing alveolitis, chronic form; idiopathic fibrosing alveolitis. Identifiers: Orphanet 2032, MedGen C1800706, MeSH D054990, MONDO:0800504.
Dyskeratosis congenita. Identifiers: Orphanet 1775, MedGen C0265965, MONDO:0015780.

Submissions (2):

Ambry Genetics
Classification: Uncertain significance for Dyskeratosis congenita. Last evaluated: 2025-10-03. Review status: criteria provided, single submitter. Criteria: Ambry Variant Classification Scheme 2023. Collection method: clinical testing. Allele origin: germline.
Comment: The c.1569_1570delCCinsAA variant (also known as p.S523_P524delinsRT), located in coding exon 2 of the TERT gene, results from an in-frame deletion of CC and insertion of AA at nucleotide positions 1569 to 1570. This results in the substitution of serine and proline residues for an arginine and threonine residue at codon 523 and 524. This amino acid region is not well conserved in available vertebrate species. In addition, the in silico prediction for this variant is inconclusive (Choi Y et al. PLoS ONE. 2012; 7(10):e46688). Based on the available evidence, the clinical significance of this variant remains unclear.

Labcorp Genetics (formerly Invitae), Labcorp
Classification: Uncertain significance for Dyskeratosis congenita, autosomal dominant 2; Idiopathic Pulmonary Fibrosis. Last evaluated: 2025-03-19. Review status: criteria provided, single submitter. Criteria: Invitae Variant Classification Sherloc (09022015). Collection method: clinical testing. Allele origin: germline.
Comment: This variant, c.1569_1570delinsAA, is a complex sequence change that results in the deletion of 2 and insertion of 2 amino acid(s) in the TERT protein (p.Ser523_Pro524delinsArgThr). Information on the frequency of this variant in the gnomAD database is not available, as this variant may be reported differently in the database. This variant has not been reported in the literature in individuals affected with TERT-related conditions. ClinVar contains an entry for this variant (Variation ID: 2009240). Experimental studies and prediction algorithms are not available or were not evaluated, and the functional significance of this variant is currently unknown. In summary, the available evidence is currently insufficient to determine the role of this variant in disease. Therefore, it has been classified as a Variant of Uncertain Significance.

NM_198253.3(TERT):c.1569_1570delinsAA (p.Ser523_Pro524delinsArgThr)

Gene: TERT (telomerase reverse transcriptase; minus strand). Cytogenetic location: 5p15.33.
Variant type: Indel.
Coding change: c.1569_1570delinsAA on transcript NM_198253.3 (MANE Select); coding-DNA positions 1569 to 1570, CC replaced by AA.
Protein change: p.Ser523_Pro524delinsArgThr.
Molecular consequence: missense variant. On other transcripts: non-coding transcript variant (2).
Genome position (GRCh38, 1-based): chr5:1,293,316-1,293,317, GG replaced by TT on the plus strand (CC replaced by AA on the coding strand, the reverse complement: TERT is on the minus strand). VCF-style: chr5-1293316-GG-TT. GRCh37 (hg19) VCF-style: chr5-1293431-GG-TT.
Other names: c.1569_1570delinsAA, p.Ser523_Pro524delinsArgThr (NM_001193376.3); c.1569_1570delCCinsAA, p.Ser523_Pro524delinsArgThr (NM_003219.1).
Identifiers: ClinVar variation 2009240 (VCV002009240.3), dbSNP rs2478407475, ClinGen allele CA2580071968.